The following is an entry in ClinVar:

ClinVar aggregate classification (germline): Benign/Likely benign. Review status: criteria provided, multiple submitters, no conflicts (2 of 4 stars). 3 submissions from 3 submitters: Benign (1); Likely benign (2). Last evaluated 2024-09-15.

Conditions:
Hereditary cancer-predisposing syndrome. Also called: Neoplastic Syndromes, Hereditary; Tumor predisposition; Hereditary Cancer Syndrome; Hereditary neoplastic syndrome. Identifiers: Orphanet 140162, MedGen C0027672, MeSH D009386, MONDO:0015356.
Familial cancer of breast. Also called: BREAST CANCER, FAMILIAL; Hereditary breast cancer; hereditary breast carcinoma. Identifiers: Orphanet 227535, MedGen C0346153, MONDO:0016419, OMIM 114480. Disease mechanism: loss of function.

Submissions (3):

Labcorp Genetics (formerly Invitae), Labcorp
Classification: Likely benign for Familial cancer of breast. Last evaluated: 2024-09-15. Review status: criteria provided, single submitter. Criteria: Invitae Variant Classification Sherloc (09022015). Collection method: clinical testing. Allele origin: germline.

Myriad Genetics, Inc.
Classification: Benign for Familial cancer of breast. Last evaluated: 2024-07-23. Review status: criteria provided, single submitter. Criteria: Myriad Autosomal Dominant, Autosomal Recessive and X-Linked Classification Criteria (2023). Collection method: clinical testing. Allele origin: unknown.
Comment: This variant is considered benign. This variant is a silent/synonymous amino acid change and it is not expected to impact splicing.

Ambry Genetics
Classification: Likely benign for Hereditary cancer-predisposing syndrome. Last evaluated: 2016-03-24. Review status: criteria provided, single submitter. Criteria: Ambry Variant Classification Scheme 2023. Collection method: clinical testing. Allele origin: germline.

NM_000465.4(BARD1):c.1035A>C (p.Gly345=)

Gene: BARD1 (BRCA1 associated RING domain 1; minus strand). Cytogenetic location: 2q35.
Variant type: single nucleotide variant.
Coding change: c.1035A>C on transcript NM_000465.4 (MANE Select); coding-DNA position 1035, A replaced by C.
Protein change: p.Gly345=; no amino-acid change (glycine 345 retained).
Molecular consequence: synonymous variant. On other transcripts: non-coding transcript variant (2), intron variant (3).
Genome position (GRCh38, 1-based): chr2:214,780,839, T>G on the plus strand (A>C on the coding strand, the complement: BARD1 is on the minus strand). VCF-style: chr2-214780839-T-G. GRCh37 (hg19) VCF-style: chr2-215645563-T-G.
Other names: c.978A>C, p.Gly326= (NM_001282543.2); c.159-28284A>C (NM_001282548.2); c.215+16222A>C (NM_001282545.2); c.364+11458A>C (NM_001282549.2).
Identifiers: ClinVar variation 482762 (VCV000482762.16), dbSNP rs1553622290, ClinGen allele CA431390635.
Genomic context (GRCh38, chr2:214,780,839, plus strand): 5'-TGGTGAAGAACATTCAGGCAATGGTATATTTTCTGAGGGCACCGTTTGCTTAACAAAATC[T>G]CCACTGGTGCTCAGAATGCTGGTTCTACATCTCTTAGAAATGGGACTGGAAAGTCTATTG-3'
Protein context (NP_000456.2, residues 335-355): RCRTSILSTS[Gly345=]DFVKQTVPSE